The following is an entry in ClinVar:

ClinVar aggregate classification (germline): Uncertain significance (1 of 4 stars; one submission).

Submission:

GeneDx
Classification: Uncertain significance. Last evaluated: 2023-12-01. Review status: criteria provided, single submitter. Criteria: GeneDx Variant Classification Process June 2021. Collection method: clinical testing. Allele origin: germline. Affected: yes.
Comment: Not observed at significant frequency in large population cohorts (gnomAD); In silico analysis supports that this missense variant has a deleterious effect on protein structure/function; Has not been previously published as pathogenic or benign to our knowledge

NM_006445.4(PRPF8):c.3885C>G (p.Ile1295Met)

Gene: PRPF8 (pre-mRNA processing factor 8; minus strand). Cytogenetic location: 17p13.3.
Variant type: single nucleotide variant.
Coding change: c.3885C>G on transcript NM_006445.4 (MANE Select); coding-DNA position 3885, C replaced by G.
Protein change: p.Ile1295Met; replaces isoleucine 1295 with methionine.
Molecular consequence: missense variant.
Genome position (GRCh38, 1-based): chr17:1,662,043, G>C on the plus strand (C>G on the coding strand, the complement: PRPF8 is on the minus strand). VCF-style: chr17-1662043-G-C. GRCh37 (hg19) VCF-style: chr17-1565337-G-C.
Other names: short protein forms I1295M.
Identifiers: ClinVar variation 3365275 (VCV003365275.1).